The following is an entry in ClinVar:

ClinVar aggregate classification (germline): Uncertain significance (1 of 4 stars; one submission).

gnomAD v4.1: 1 of 1,614,102 alleles (0.000062%); highest among the groups gnomAD compares: South Asian, 0.0011%; no homozygotes.

Submission:

Labcorp Genetics (formerly Invitae), Labcorp
Classification: Uncertain significance. Last evaluated: 2022-09-13. Review status: criteria provided, single submitter. Criteria: Invitae Variant Classification Sherloc (09022015). Collection method: clinical testing. Allele origin: germline.
Comment: This sequence change replaces proline, which is neutral and non-polar, with arginine, which is basic and polar, at codon 180 of the COL9A2 protein (p.Pro180Arg). This variant is not present in population databases (gnomAD no frequency). This variant has not been reported in the literature in individuals affected with COL9A2-related conditions. Advanced modeling of protein sequence and biophysical properties (such as structural, functional, and spatial information, amino acid conservation, physicochemical variation, residue mobility, and thermodynamic stability) performed at Invitae indicates that this missense variant is not expected to disrupt COL9A2 protein function. In summary, the available evidence is currently insufficient to determine the role of this variant in disease. Therefore, it has been classified as a Variant of Uncertain Significance.

NM_001852.4(COL9A2):c.539C>G (p.Pro180Arg)

Gene: COL9A2 (collagen type IX alpha 2 chain; minus strand). Cytogenetic location: 1p34.2.
Variant type: single nucleotide variant.
Coding change: c.539C>G on transcript NM_001852.4 (MANE Select); coding-DNA position 539, C replaced by G.
Protein change: p.Pro180Arg; replaces proline 180 with arginine.
Molecular consequence: missense variant.
Genome position (GRCh38, 1-based): chr1:40,311,267, G>C on the plus strand (C>G on the coding strand, the complement: COL9A2 is on the minus strand). VCF-style: chr1-40311267-G-C. GRCh37 (hg19) VCF-style: chr1-40776939-G-C.
Other names: short protein forms P180R.
Identifiers: ClinVar variation 1715044 (VCV001715044.5), dbSNP rs1644119750, ClinGen allele CA339855952.